The following is an entry in ClinVar:

ClinVar aggregate classification (germline): Conflicting classifications of pathogenicity. Review status: criteria provided, conflicting classifications (1 of 4 stars). 2 submissions from 2 submitters: Uncertain significance (1); Likely benign (1). Last evaluated 2025-11-03.

Conditions:
Cardiovascular phenotype. Identifiers: MedGen CN230736.

Allele frequency attached by ClinVar (database versions not stated): gnomAD 0.00001; ExAC 0.00005; ESP Exome Variant Server 0.00008.
gnomAD v4.1: 14 of 1,573,940 alleles (0.00089%); highest among the groups gnomAD compares: African/African-American, 0.0054%; no homozygotes.

Submissions (2):

Labcorp Genetics (formerly Invitae), Labcorp
Classification: Likely benign. Last evaluated: 2025-11-03. Review status: criteria provided, single submitter. Criteria: Invitae Variant Classification Sherloc (09022015). Collection method: clinical testing. Allele origin: germline.

Ambry Genetics
Classification: Uncertain significance for Cardiovascular phenotype. Last evaluated: 2021-03-09. Review status: criteria provided, single submitter. Criteria: Ambry Variant Classification Scheme 2023. Collection method: clinical testing. Allele origin: germline.
Comment: The p.P985L variant (also known as c.2954C>T), located in coding exon 17 of the EPHB4 gene, results from a C to T substitution at nucleotide position 2954. The proline at codon 985 is replaced by leucine, an amino acid with similar properties. This amino acid position is well conserved in available vertebrate species. In addition, this alteration is predicted to be tolerated by in silico analysis. Since supporting evidence is limited at this time, the clinical significance of this alteration remains unclear.

NM_004444.5(EPHB4):c.2954C>T (p.Pro985Leu)

Gene: EPHB4 (EPH receptor B4; minus strand). Cytogenetic location: 7q22.1.
Variant type: single nucleotide variant.
Coding change: c.2954C>T on transcript NM_004444.5 (MANE Select); coding-DNA position 2954, C replaced by T.
Protein change: p.Pro985Leu; replaces proline 985 with leucine.
Molecular consequence: missense variant.
Genome position (GRCh38, 1-based): chr7:100,803,471, G>A on the plus strand (C>T on the coding strand, the complement: EPHB4 is on the minus strand). VCF-style: chr7-100803471-G-A. GRCh37 (hg19) VCF-style: chr7-100401093-G-A.
Other names: short protein forms P985L.
Identifiers: ClinVar variation 1798092 (VCV001798092.3), dbSNP rs140842916, ClinGen allele CA4392470.